The following is an entry in ClinVar:

ClinVar aggregate classification (germline): Uncertain significance (0 of 4 stars; one submission).

Conditions:
CNTNAP4-related disorder. Also called: CNTNAP4-related condition.

Submission:

PreventionGenetics, part of Exact Sciences
Classification: Uncertain significance for CNTNAP4-related condition. Last evaluated: 2024-09-13. Review status: no assertion criteria provided. Collection method: clinical testing. Allele origin: germline.
Comment: The CNTNAP4 c.3869A>T variant is predicted to result in the amino acid substitution p.Lys1290Ile. To our knowledge, this variant has not been reported in the literature. This variant is reported in 0.00089% of alleles in individuals of European (Non-Finnish) descent in gnomAD. At this time, the clinical significance of this variant is uncertain due to the absence of conclusive functional and genetic evidence.

NM_033401.5(CNTNAP4):c.3869A>T (p.Lys1290Ile)

Gene: CNTNAP4 (contactin associated protein family member 4; plus strand). Cytogenetic location: 16q23.1.
Variant type: single nucleotide variant.
Coding change: c.3869A>T on transcript NM_033401.5 (MANE Select); coding-DNA position 3869, A replaced by T.
Protein change: p.Lys1290Ile; replaces lysine 1290 with isoleucine.
Molecular consequence: missense variant. On other transcripts: non-coding transcript variant (3).
Genome position (GRCh38, 1-based): chr16:76,558,625, A>T. VCF-style: chr16-76558625-A-T. GRCh37 (hg19) VCF-style: chr16-76592522-A-T.
Other names: c.3719A>T, p.Lys1240Ile (NM_001322178.2); c.3629A>T, p.Lys1210Ile (NM_001322179.2); c.3482A>T, p.Lys1161Ile (NM_001322180.2); c.3866A>T, p.Lys1289Ile (NM_001322181.2); c.2453A>T, p.Lys818Ile (NM_001322187.2); c.3764A>T, p.Lys1255Ile (NM_001322188.2); c.3605A>T, p.Lys1202Ile (NM_001322189.2); c.3725A>T, p.Lys1242Ile (NM_001322190.2); and 2 more; short protein forms K1161I, K1202I, K1210I, K1217I, K1240I, K1242I, K1255I, K1289I.
Identifiers: ClinVar variation 3354152 (VCV003354152.1).
Genomic context (GRCh38, chr16:76,558,625, plus strand): 5'-TATATAAAAGAAGTGAGGCAAAAAGGTCAGAGAATGTAGACAGTGCTGAGGCTGTTCTGA[A>T]AAGTGAGCTTAATATACAAAATGCAGTCAATGAAAATCAGAAAGAGTACTTCTTCTGATT-3'
Protein context (NP_207837.2, residues 1280-1300): ENVDSAEAVL[Lys1290Ile]SELNIQNAVN